The following is an entry in ClinVar:

ClinVar aggregate classification (germline): Uncertain significance (1 of 4 stars; one submission).

Allele frequency attached by ClinVar (database versions not stated): gnomAD exomes below 0.00001; ExAC 0.00001.
gnomAD v4.1: 3 of 1,614,094 alleles (0.00019%); highest among the groups gnomAD compares: East Asian, 0.0022%; no homozygotes.

Submission:

Labcorp Genetics (formerly Invitae), Labcorp
Classification: Uncertain significance. Last evaluated: 2022-08-22. Review status: criteria provided, single submitter. Criteria: Invitae Variant Classification Sherloc (09022015). Collection method: clinical testing. Allele origin: germline.
Comment: This variant is present in population databases (rs751837075, gnomAD 0.006%). This sequence change replaces methionine, which is neutral and non-polar, with threonine, which is neutral and polar, at codon 554 of the LBR protein (p.Met554Thr). This variant has not been reported in the literature in individuals affected with LBR-related conditions. In summary, the available evidence is currently insufficient to determine the role of this variant in disease. Therefore, it has been classified as a Variant of Uncertain Significance. Advanced modeling of protein sequence and biophysical properties (such as structural, functional, and spatial information, amino acid conservation, physicochemical variation, residue mobility, and thermodynamic stability) performed at Invitae indicates that this missense variant is expected to disrupt LBR protein function.

NM_002296.4(LBR):c.1661T>C (p.Met554Thr)

Gene: LBR (lamin B receptor; minus strand). Cytogenetic location: 1q42.12.
Variant type: single nucleotide variant.
Coding change: c.1661T>C on transcript NM_002296.4 (MANE Select); coding-DNA position 1661, T replaced by C.
Protein change: p.Met554Thr; replaces methionine 554 with threonine.
Molecular consequence: missense variant.
Genome position (GRCh38, 1-based): chr1:225,404,430, A>G on the plus strand (T>C on the coding strand, the complement: LBR is on the minus strand). VCF-style: chr1-225404430-A-G. GRCh37 (hg19) VCF-style: chr1-225592132-A-G.
Other names: c.1661T>C, p.Met554Thr (NM_194442.3); short protein forms M554T.
Identifiers: ClinVar variation 1960405 (VCV001960405.5), dbSNP rs751837075, ClinGen allele CA1417073.
Genomic context (GRCh38, chr1:225,404,430, plus strand): 5'-AAGGGTCAAACTAGCACTCTTCTGAAATGCTTACCACATGGGAGGGACCACGCCAAGGCC[A>G]TGATGAGATCACCCAAGTAATTGGGGTGGCGAACAAAGCCCCACCATCCAGAAACTAGAA-3'
Protein context (NP_002287.2, residues 544-564): RHPNYLGDLI[Met554Thr]ALAWSLPCGF